The following is an entry in ClinVar:

ClinVar aggregate classification (germline): Benign/Likely benign. Review status: criteria provided, multiple submitters, no conflicts (2 of 4 stars). 3 submissions from 3 submitters: Benign (2); Likely benign (1). Last evaluated 2026-02-01.

Conditions:
UNC13A-related disorder. Also called: UNC13A-related condition.

Allele frequency attached by ClinVar (database versions not stated): gnomAD 0.00001 and 0.00023; TOPMed 0.00004; gnomAD exomes 0.00041 and 0.00080; ExAC 0.00087; 1000 Genomes Project 0.00240; 1000 Genomes Project 30x 0.00297.
gnomAD v4.1: 633 of 1,613,956 alleles (0.039%); highest among the groups gnomAD compares: South Asian, 0.66%; 7 homozygotes.

Submissions (3):

CeGaT Center for Human Genetics Tuebingen
Classification: Likely benign. Last evaluated: 2026-02-01. Review status: criteria provided, single submitter. Criteria: CeGaT Center For Human Genetics Tuebingen Variant Classification Criteria Version 2. Collection method: clinical testing. Allele origin: germline. Affected: yes. Observed: 1 variant allele.
Comment: UNC13A: BP4, BP7

PreventionGenetics, part of Exact Sciences
Classification: Benign for UNC13A-related condition. Last evaluated: 2025-07-07. Review status: criteria provided, single submitter. Criteria: ACMG Guidelines, 2015. Collection method: clinical testing. Allele origin: germline.
Comment: This variant is classified as benign based on ACMG/AMP sequence variant interpretation guidelines (Richards et al. 2015 PMID: 25741868, with internal and published modifications).

Labcorp Genetics (formerly Invitae), Labcorp
Classification: Benign. Last evaluated: 2017-06-08. Review status: criteria provided, single submitter. Criteria: Invitae Variant Classification Sherloc (09022015). Collection method: clinical testing. Allele origin: germline.

NM_001080421.3(UNC13A):c.4515C>T (p.Thr1505=)

Gene: UNC13A (unc-13 homolog A; minus strand). Cytogenetic location: 19p13.11.
Variant type: single nucleotide variant.
Coding change: c.4515C>T on transcript NM_001080421.3 (MANE Select); coding-DNA position 4515, C replaced by T.
Protein change: p.Thr1505=; no amino-acid change (threonine 1505 retained).
Molecular consequence: synonymous variant.
Genome position (GRCh38, 1-based): chr19:17,617,745, G>A on the plus strand (C>T on the coding strand, the complement: UNC13A is on the minus strand). VCF-style: chr19-17617745-G-A. GRCh37 (hg19) VCF-style: chr19-17728554-G-A.
Other names: c.4503C>T, p.Thr1501= (NM_001387021.1); c.4500C>T, p.Thr1500= (NM_001387022.1); c.4434C>T, p.Thr1478= (NM_001387023.1).
Identifiers: ClinVar variation 773083 (VCV000773083.8), dbSNP rs552567446, ClinGen allele CA9297653.
Genomic context (GRCh38, chr19:17,617,745, plus strand): 5'-GGTCTGGGTACCCTTACCCTGGGCCGATTGCGTCTGTACAAAGGTCTTGATTAGCAGGTC[G>A]GTGGCCTGCGTGTAGAGCGACAGGGCATAGCGCAAGGATTGCAGGTCCGGGCTCTTCTCC-3'
Protein context (NP_001073890.2, residues 1495-1515): RYALSLYTQA[Thr1505=]DLLIKTFVQT